The following is an entry in ClinVar:

ClinVar aggregate classification (germline): Likely benign. Review status: criteria provided, single submitter (1 of 4 stars). 2 submissions from 2 submitters: Likely benign (1). 1 of the submissions does not count toward it. Last evaluated 2018-05-15.

Conditions:
SOX9-related disorder. Also called: SOX9-related condition.

Allele frequency attached by ClinVar (database versions not stated): ExAC 0.00007; ESP Exome Variant Server 0.00008; gnomAD 0.00011 and 0.00013; TOPMed 0.00013; gnomAD exomes 0.00015.

Submissions (2):

GeneDx
Classification: Likely benign. Last evaluated: 2018-05-15. Review status: criteria provided, single submitter. Criteria: GeneDx Variant Classification Process June 2021. Collection method: clinical testing. Allele origin: germline. Affected: yes.

PreventionGenetics, part of Exact Sciences
Classification: Likely benign for SOX9-related condition. Last evaluated: 2022-11-18. Review status: no assertion criteria provided. Collection method: clinical testing. Allele origin: germline. Not counted in ClinVar's aggregate classification.
Comment: This variant is classified as likely benign based on ACMG/AMP sequence variant interpretation guidelines (Richards et al. 2015 PMID: 25741868, with internal and published modifications).

NM_000346.4(SOX9):c.*9C>T

Gene: SOX9 (SRY-box transcription factor 9; plus strand). Cytogenetic location: 17q24.3.
Variant type: single nucleotide variant.
Coding change: c.*9C>T on transcript NM_000346.4 (MANE Select); 9 bases downstream of the stop codon, C replaced by T.
Molecular consequence: 3 prime UTR variant.
Genome position (GRCh38, 1-based): chr17:72,124,396, C>T. VCF-style: chr17-72124396-C-T. GRCh37 (hg19) VCF-style: chr17-70120537-C-T.
Other names: c.*9C>T (NM_000346.3).
Identifiers: ClinVar variation 1290861 (VCV001290861.4), dbSNP rs372582694, ClinGen allele CA8739177.